The following is an entry in ClinVar:

NM_002340.6(LSS):c.1762G>A (p.Gly588Ser)

Gene: LSS (lanosterol synthase; minus strand). Cytogenetic location: 21q22.3.
Variant type: single nucleotide variant.
Coding change: c.1762G>A on transcript NM_002340.6 (MANE Select); coding-DNA position 1762, G replaced by A.
Protein change: p.Gly588Ser; replaces glycine 588 with serine.
Molecular consequence: missense variant.
Genome position (GRCh38, 1-based): chr21:46,195,731, C>T on the plus strand (G>A on the coding strand, the complement: LSS is on the minus strand). VCF-style: chr21-46195731-C-T. GRCh37 (hg19) VCF-style: chr21-47615645-C-T.
Other names: NC_000021.8:g.47615645C>T; c.1762G>A, p.Gly588Ser (NM_001001438.3); c.1729G>A, p.Gly577Ser (NM_001145436.2); c.1522G>A, p.Gly508Ser (NM_001145437.2); short protein forms G588S, G577S, G508S.
Identifiers: ClinVar variation 221226 (VCV000221226.9), dbSNP rs561449819, ClinGen allele CA350993.

ClinVar aggregate classification (germline): Conflicting classifications of pathogenicity. Review status: criteria provided, conflicting classifications (1 of 4 stars). 4 submissions from 4 submitters: Likely pathogenic (2); Uncertain significance (1). 1 of the submissions does not count toward it. Last evaluated 2025-03-14.

Conditions:
Cataract 44 (CTRCT44). Also called: CATARACT 44 AND HYPOTRICHOSIS. Identifiers: Orphanet 91492, Orphanet 98994, MedGen C4225300, MONDO:0014673, OMIM 616509.
Alopecia-intellectual disability syndrome 4. Also called: ALOPECIA-MENTAL RETARDATION SYNDROME 4. Identifiers: MedGen C5394241, MONDO:0030009, OMIM 618840.
Hypotrichosis 14. Identifiers: MedGen C4748930, MONDO:0032649, OMIM 618275.

Allele frequency attached by ClinVar (database versions not stated): gnomAD 0.00001 and 0.00006; TOPMed 0.00002; 1000 Genomes Project 30x 0.00016; ExAC 0.00016; 1000 Genomes Project 0.00020.
gnomAD v4.1: 120 of 1,613,802 alleles (0.0074%); highest among the groups gnomAD compares: South Asian, 0.11%; 2 homozygotes.

Submissions (5):

First Genomix Gene Laboratory, Genetic Diagnostics Department
Classification: Likely pathogenic for Cataract 44. Last evaluated: 2025-03-14. Review status: criteria provided, single submitter. Criteria: ACMG Guidelines, 2015. Collection method: clinical testing. Allele origin: germline. Inheritance: Autosomal recessive inheritance. Affected: no. Observed: 1 variant allele.

Institute of Medical Genetics and Genomics, Sir Ganga Ram Hospital
Classification: Uncertain significance for Hypotrichosis 14. Last evaluated: 2023-06-28. Review status: criteria provided, single submitter. Criteria: ACMG Guidelines, 2015. Collection method: clinical testing. Allele origin: unknown. Inheritance: Autosomal recessive inheritance. Affected: no.
Comment: This variant has been previously reported in cataract PMID: 26200341 (PP5_supporting)

Department of Pathology and Laboratory Medicine, Sinai Health System
Classification: Likely pathogenic for Alopecia-intellectual disability syndrome 4; Cataract 44. Last evaluated: 2023-05-09. Review status: criteria provided, single submitter. Criteria: ACMG Guidelines, 2015. Collection method: research. Allele origin: germline.

OMIM
Classification: Pathogenic for CATARACT 44. Last evaluated: 2022-02-10. Review status: no assertion criteria provided. Collection method: literature only. Allele origin: germline. Not counted in ClinVar's aggregate classification.

Dr. Peter K. Rogan Lab, Western University
No classification provided (evidence only). Condition: Cervical cancer. Review status: no classification provided. Collection method: in vitro. Allele origin: not applicable. Functional consequence: retained intron. Not counted in ClinVar's aggregate classification.

Literature cited by the submitters: Zhao, L., Chen, X.-J., Zhu, J., Xi, Y.-B., Yang, X., Hu, L.-D., Ouyang, H., Patel, S. H., Jin, X., Lin, D., Wu, F., Flagg, K., and 30 others Lanosterol reverses protein aggregation in cataracts. Nature 523: 607-611, 2015. Note: Erratum: Nature 526: 595 only, 2015. (cited by OMIM).